The following is an entry in ClinVar:

NM_001378964.1(CDON):c.1846C>T (p.Arg616Ter)

Gene: CDON (cell adhesion associated, oncogene regulated; minus strand). Cytogenetic location: 11q24.2.
Variant type: single nucleotide variant.
Coding change: c.1846C>T on transcript NM_001378964.1 (MANE Select); coding-DNA position 1846, C replaced by T.
Protein change: p.Arg616Ter; replaces arginine 616 with a stop codon.
Molecular consequence: nonsense.
Genome position (GRCh38, 1-based): chr11:126,005,764, G>A on the plus strand (C>T on the coding strand, the complement: CDON is on the minus strand). VCF-style: chr11-126005764-G-A. GRCh37 (hg19) VCF-style: chr11-125875659-G-A.
Other names: c.1846C>T, p.Arg616Ter (NM_001243597.3, NM_016952.6); short protein forms R616*.
Identifiers: ClinVar variation 2258031 (VCV002258031.2), dbSNP rs766248827, ClinGen allele CA383208412.

ClinVar aggregate classification (germline): Uncertain significance (1 of 4 stars; one submission).

Conditions:
Inborn genetic diseases. Identifiers: MedGen C0950123, MeSH D030342.

gnomAD v4.1: 3 of 1,613,002 alleles (0.00019%); highest among the groups gnomAD compares: Non-Finnish European, 0.00025%; no homozygotes.

Submission:

Ambry Genetics
Classification: Uncertain significance for Inborn genetic diseases. Last evaluated: 2021-12-03. Review status: criteria provided, single submitter. Criteria: Ambry Variant Classification Scheme 2023. Collection method: clinical testing. Allele origin: germline.
Comment: Loss of function has not been clearly established as a mechanism of disease Based on insufficient or conflicting evidence, the clinical significance of this alteration remains unclear.